The following is an entry in ClinVar:

ClinVar aggregate classification (germline): Likely benign (1 of 4 stars; one submission).

gnomAD v4.1: 5 of 1,613,750 alleles (0.00031%); highest among the groups gnomAD compares: Admixed American, 0.005%; no homozygotes.

Submission:

CeGaT Center for Human Genetics Tuebingen
Classification: Likely benign. Last evaluated: 2026-06-01. Review status: criteria provided, single submitter. Criteria: CeGaT Center For Human Genetics Tuebingen Variant Classification Criteria Version 2. Collection method: clinical testing. Allele origin: germline. Affected: yes. Observed: 1 variant allele.
Comment: CENPF: BP4, BP7

NM_016343.4(CENPF):c.3933G>A (p.Gln1311=)

Gene: CENPF (centromere protein F; plus strand). Cytogenetic location: 1q41.
Variant type: single nucleotide variant.
Coding change: c.3933G>A on transcript NM_016343.4 (MANE Select); coding-DNA position 3933, G replaced by A.
Protein change: p.Gln1311=; no amino-acid change (glutamine 1311 retained).
Molecular consequence: synonymous variant.
Genome position (GRCh38, 1-based): chr1:214,642,271, G>A. VCF-style: chr1-214642271-G-A. GRCh37 (hg19) VCF-style: chr1-214815614-G-A.
Identifiers: ClinVar variation 4873361 (VCV004873361.2).